The following is an entry in ClinVar:

ClinVar aggregate classification (germline): Uncertain significance. Review status: criteria provided, multiple submitters, no conflicts (2 of 4 stars). 2 submissions from 2 submitters: Uncertain significance (2). Last evaluated 2024-10-09.

Conditions:
T-cell immunodeficiency, congenital alopecia, and nail dystrophy. Also called: Congenital alopecia and nail dystrophy associated with severe functional T-cell immunodeficiency; Pignata Guarino syndrome. Identifiers: Orphanet 169095, MedGen C1866426, MONDO:0011132, OMIM 601705.

Allele frequency attached by ClinVar (database versions not stated): gnomAD exomes 0.00001 and 0.00003; ExAC 0.00002; gnomAD 0.00009 and 0.00010; TOPMed 0.00011.
gnomAD v4.1: 29 of 1,613,798 alleles (0.0018%); highest among the groups gnomAD compares: African/African-American, 0.037%; no homozygotes.

Submissions (2):

Labcorp Genetics (formerly Invitae), Labcorp
Classification: Uncertain significance for T-cell immunodeficiency, congenital alopecia, and nail dystrophy. Last evaluated: 2024-10-09. Review status: criteria provided, single submitter. Criteria: Invitae Variant Classification Sherloc (09022015). Collection method: clinical testing. Allele origin: germline.
Comment: This sequence change replaces proline, which is neutral and non-polar, with leucine, which is neutral and non-polar, at codon 576 of the FOXN1 protein (p.Pro576Leu). This variant is present in population databases (rs756165992, gnomAD 0.04%). This variant has not been reported in the literature in individuals affected with FOXN1-related conditions. ClinVar contains an entry for this variant (Variation ID: 888888). An algorithm developed to predict the effect of missense changes on protein structure and function (PolyPhen-2) suggests that this variant¬†is likely to be tolerated. In summary, the available evidence is currently insufficient to determine the role of this variant in disease. Therefore, it has been classified as a Variant of Uncertain Significance.

Illumina Laboratory Services, Illumina
Classification: Uncertain significance for T-cell immunodeficiency, congenital alopecia, and nail dystrophy. Last evaluated: 2018-01-12. Review status: criteria provided, single submitter. Criteria: ICSL Variant Classification Criteria 13 December 2019. Collection method: clinical testing. Allele origin: germline.

NM_001369369.1(FOXN1):c.1727C>T (p.Pro576Leu)

Gene: FOXN1 (forkhead box N1; plus strand). Cytogenetic location: 17q11.2.
Variant type: single nucleotide variant.
Coding change: c.1727C>T on transcript NM_001369369.1 (MANE Select); coding-DNA position 1727, C replaced by T.
Protein change: p.Pro576Leu; replaces proline 576 with leucine.
Molecular consequence: missense variant.
Genome position (GRCh38, 1-based): chr17:28,537,216, C>T. VCF-style: chr17-28537216-C-T. GRCh37 (hg19) VCF-style: chr17-26864234-C-T.
Other names: c.1727C>T, p.Pro576Leu (NM_003593.3); short protein forms P576L.
Identifiers: ClinVar variation 888888 (VCV000888888.9), dbSNP rs756165992, ClinGen allele CA8459612.
Genomic context (GRCh38, chr17:28,537,216, plus strand): 5'-TCGACCCCCTGGTACTGGTGACCTCATCCCCGACATCATCTTCGATGCCACCACCCCAGC[C>T]ACCACCTCACTGCTTCCCCCCTGGGCCCTGTCTGACAGAGACAGGCAGTGGGGCAGGTGA-3'
Protein context (NP_001356298.1, residues 566-586): PTSSSMPPPQ[Pro576Leu]PPHCFPPGPC